The following is an entry in ClinVar:

NM_007294.4(BRCA1):c.1332T>G (p.Ser444Arg)

Gene: BRCA1 (BRCA1 DNA repair associated; minus strand). Cytogenetic location: 17q21.31.
Variant type: single nucleotide variant.
Coding change: c.1332T>G on transcript NM_007294.4 (MANE Select); coding-DNA position 1332, T replaced by G.
Protein change: p.Ser444Arg; replaces serine 444 with arginine.
Molecular consequence: missense variant. On other transcripts: intron variant (137).
Genome position (GRCh38, 1-based): chr17:43,094,199, A>C on the plus strand (T>G on the coding strand, the complement: BRCA1 is on the minus strand). VCF-style: chr17-43094199-A-C. GRCh37 (hg19) VCF-style: chr17-41246216-A-C.
Other names: c.1119T>G, p.Ser373Arg (NM_001407571.1, NM_001407853.1, NM_001407894.1 and 9 more transcripts); c.1332T>G, p.Ser444Arg (NM_001407581.1, NM_001407582.1, NM_001407583.1 and 30 more transcripts); c.1329T>G, p.Ser443Arg (NM_001407587.1, NM_001407590.1, NM_001407591.1 and 22 more transcripts); c.1323T>G, p.Ser441Arg (NM_001407646.1, NM_001407647.1); c.1209T>G, p.Ser403Arg (NM_001407648.1, NM_001407664.1, NM_001407665.1 and 19 more transcripts); c.1206T>G, p.Ser402Arg (NM_001407649.1, NM_001407670.1, NM_001407671.1 and 11 more transcripts); c.1254T>G, p.Ser418Arg (NM_001407653.1, NM_001407654.1, NM_001407655.1 and 4 more transcripts); c.1251T>G, p.Ser417Arg (NM_001407659.1, NM_001407660.1, NM_001407661.1 and 1 more transcripts); and 40 more; short protein forms S444R, S397R, S276R, S373R, S374R, S396R, S403R, S148R.
Identifiers: ClinVar variation 491031 (VCV000491031.7), dbSNP rs1555591925, ClinGen allele CA10599385.
Genomic context (GRCh38, chr17:43,094,199, plus strand): 5'-GGTTTTCCCAAATATTTTGTCTTCAATATTACTCTCTACTGATTTGGAGTGAACTCTTTC[A>C]CTTTTACATATTAAAGCCTCATGAGGATCACTGGCCAGTAAGTCTATTTTCTCTGAAGAA-3'
Protein context (NP_009225.1, residues 434-454): SDPHEALICK[Ser444Arg]ERVHSKSVES

ClinVar aggregate classification (germline): Conflicting classifications of pathogenicity. Review status: criteria provided, conflicting classifications (1 of 4 stars). 2 submissions from 2 submitters: Uncertain significance (1); Likely benign (1). Last evaluated 2023-03-23.

Conditions:
Hereditary cancer-predisposing syndrome. Also called: Hereditary Cancer Syndrome; Neoplastic Syndromes, Hereditary; Tumor predisposition; Hereditary neoplastic syndrome. Identifiers: Orphanet 140162, MedGen C0027672, MeSH D009386, MONDO:0015356.

Submissions (2):

University of Washington Department of Laboratory Medicine, University of Washington
Classification: Likely benign for Hereditary cancer-predisposing syndrome. Last evaluated: 2023-03-23. Review status: criteria provided, single submitter. Criteria: Dines et al. (Genet Med. 2020). Collection method: curation. Allele origin: germline.
Comment: Missense variant in a coldspot region where missense variants are very unlikely to be pathogenic (PMID:31911673).

BRCA1 coldspot (exon 11 using historical exon numbering). Reclassification based on statistical prior probability

Color Diagnostics, LLC DBA Color Health
Classification: Uncertain significance for Hereditary cancer-predisposing syndrome. Last evaluated: 2019-04-09. Review status: criteria provided, single submitter. Criteria: ACMG Guidelines, 2015. Collection method: clinical testing. Allele origin: germline.